The following is an entry in ClinVar:

NM_001130965.3(SUN1):c.1546A>G (p.Met516Val)

Gene: SUN1 (Sad1 and UNC84 domain containing 1; plus strand). Cytogenetic location: 7p22.3.
Variant type: single nucleotide variant.
Coding change: c.1546A>G on transcript NM_001130965.3 (MANE Select); coding-DNA position 1546, A replaced by G.
Protein change: p.Met516Val; replaces methionine 516 with valine.
Molecular consequence: missense variant. On other transcripts: non-coding transcript variant (3).
Genome position (GRCh38, 1-based): chr7:860,149, A>G. VCF-style: chr7-860149-A-G. GRCh37 (hg19) VCF-style: chr7-899786-A-G.
Other names: c.1741A>G, p.Met581Val (NM_001367697.1, NM_001367693.1); c.1825A>G, p.Met609Val (NM_001367698.1); c.1936A>G, p.Met646Val (NM_001367699.1, NM_001367678.1); c.1756A>G, p.Met586Val (NM_001367700.1, NM_001367655.1); c.1447A>G, p.Met483Val (NM_001367701.1); c.1558A>G, p.Met520Val (NM_001367702.1, NM_001367704.1); c.1939A>G, p.Met647Val (NM_001367703.1, NM_001367705.1); c.1678A>G, p.Met560Val (NM_001367706.1, NM_001367673.1); and 43 more; short protein forms M278V, M363V, M465V, M470V, M490V, M503V, M505V, M520V.
Identifiers: ClinVar variation 3647599 (VCV003647599.2).
Genomic context (GRCh38, chr7:860,149, plus strand): 5'-TTAAAATAGGACATTTGTGTCCGTCTGCTGTTTTACTAGGTGGACGTGCAAGTCAGAGAA[A>G]TGGTGAAACTCCTGTTTTCCGAAGATCAGCAAGGCGGTTCTCTGGAACAGCTGCTGCAGA-3'
Protein context (NP_001124437.1, residues 506-526): QERVDVQVRE[Met516Val]VKLLFSEDQQ

ClinVar aggregate classification (germline): Uncertain significance (1 of 4 stars; one submission).

Conditions:
Emery-Dreifuss muscular dystrophy (EDMD). Also called: Scapuloperoneal syndrome, X-linked (formerly); Humeroperoneal neuromuscular disease, (formerly). Identifiers: Orphanet 261, MedGen C0410189, MONDO:0016830.

Submission:

Labcorp Genetics (formerly Invitae), Labcorp
Classification: Uncertain significance for Emery-Dreifuss muscular dystrophy. Last evaluated: 2024-03-25. Review status: criteria provided, single submitter. Criteria: Invitae Variant Classification Sherloc (09022015). Collection method: clinical testing. Allele origin: germline.
Comment: This sequence change replaces methionine, which is neutral and non-polar, with valine, which is neutral and non-polar, at codon 516 of the SUN1 protein (p.Met516Val). This variant is not present in population databases (gnomAD no frequency). This variant has not been reported in the literature in individuals affected with SUN1-related conditions. An algorithm developed to predict the effect of missense changes on protein structure and function (PolyPhen-2) suggests that this variant is likely to be tolerated. In summary, the available evidence is currently insufficient to determine the role of this variant in disease. Therefore, it has been classified as a Variant of Uncertain Significance.